The following is an entry in ClinVar:

NM_001897.5(CSPG4):c.459C>A (p.Thr153=)

Gene: CSPG4 (chondroitin sulfate proteoglycan 4; minus strand). Cytogenetic location: 15q24.2.
Variant type: single nucleotide variant.
Coding change: c.459C>A on transcript NM_001897.5 (MANE Select); coding-DNA position 459, C replaced by A.
Protein change: p.Thr153=; no amino-acid change (threonine 153 retained).
Molecular consequence: synonymous variant.
Genome position (GRCh38, 1-based): chr15:75,690,606, G>T on the plus strand (C>A on the coding strand, the complement: CSPG4 is on the minus strand). VCF-style: chr15-75690606-G-T. GRCh37 (hg19) VCF-style: chr15-75982947-G-T.
Identifiers: ClinVar variation 3388540 (VCV003388540.14).

ClinVar aggregate classification (germline): Likely benign (1 of 4 stars; one submission).

gnomAD v4.1: 3 of 1,609,076 alleles (0.00019%); highest among the groups gnomAD compares: Admixed American, 0.0033%; no homozygotes.

Submission:

CeGaT Center for Human Genetics Tuebingen
Classification: Likely benign. Last evaluated: 2024-09-01. Review status: criteria provided, single submitter. Criteria: CeGaT Center For Human Genetics Tuebingen Variant Classification Criteria Version 2. Collection method: clinical testing. Allele origin: germline. Affected: yes. Observed: 1 variant allele.
Comment: CSPG4: BP4, BP7